The following is an entry in ClinVar:

NM_001166108.2(PALLD):c.176A>T (p.Asp59Val)

Gene: PALLD (palladin, cytoskeletal associated protein; plus strand). Cytogenetic location: 4q32.3.
Variant type: single nucleotide variant.
Coding change: c.176A>T on transcript NM_001166108.2 (MANE Select); coding-DNA position 176, A replaced by T.
Protein change: p.Asp59Val; replaces aspartic acid 59 with valine.
Molecular consequence: missense variant.
Genome position (GRCh38, 1-based): chr4:168,511,680, A>T. VCF-style: chr4-168511680-A-T. GRCh37 (hg19) VCF-style: chr4-169432831-A-T.
Other names: c.176A>T, p.Asp59Val (NM_016081.4); short protein forms D59V.
Identifiers: ClinVar variation 1779755 (VCV001779755.3), dbSNP rs2531428790, ClinGen allele CA358724944.

ClinVar aggregate classification (germline): Uncertain significance (1 of 4 stars; one submission).

gnomAD v4.1: 1 of 1,614,060 alleles (0.000062%); highest among the groups gnomAD compares: Non-Finnish European, 0.000085%; no homozygotes.

Submission:

Ambry Genetics
Classification: Uncertain significance. Last evaluated: 2024-05-03. Review status: criteria provided, single submitter. Criteria: Ambry Variant Classification Scheme 2023. Collection method: clinical testing. Allele origin: germline.
Comment: The p.D59V variant (also known as c.176A>T), located in coding exon 1 of the PALLD gene, results from an A to T substitution at nucleotide position 176. The aspartic acid at codon 59 is replaced by valine, an amino acid with highly dissimilar properties. This amino acid position is conserved. In addition, this alteration is predicted to be tolerated by in silico analysis. Since supporting evidence is limited at this time, the clinical significance of this alteration remains unclear.